The following is an entry in ClinVar:

ClinVar aggregate classification (germline): Pathogenic. Review status: reviewed by expert panel (3 of 4 stars). 3 submissions from 3 submitters: Pathogenic (1). 2 of the submissions do not count toward it. Last evaluated 2016-10-18.

Conditions:
Hereditary breast ovarian cancer syndrome. Also called: Hereditary breast and ovarian cancer syndrome (HBOC); Breast and ovarian cancer; Hereditary breast and ovarian cancer syndrome; Hereditary breast and ovarian cancer; BRCA1- and BRCA2-Associated Hereditary Breast and Ovarian Cancer; Hereditary breast and/or ovarian cancer syndrome. Identifiers: Orphanet 145, MedGen C0677776, MeSH D061325, MONDO:0003582. Disease mechanism: loss of function.
Breast-ovarian cancer, familial, susceptibility to, 1 (BROVCA1). Also called: BRCA1 Hereditary Breast and Ovarian Cancer; OVARIAN CANCER, SUSCEPTIBILITY TO. Identifiers: Orphanet 145, MedGen C2676676, MONDO:0011450, OMIM 604370. Disease mechanism: loss of function.

Submissions (3):

Evidence-based Network for the Interpretation of Germline Mutant Alleles (ENIGMA)
Classification: Pathogenic for Breast-ovarian cancer, familial, susceptibility to, 1. Last evaluated: 2016-10-18. Review status: reviewed by expert panel. Criteria: ENIGMA BRCA1/2 Classification Criteria (2015). Collection method: curation. Allele origin: germline.
Comment: Variant allele predicted to encode a truncated non-functional protein.

Labcorp Genetics (formerly Invitae), Labcorp
Classification: Pathogenic for Hereditary breast ovarian cancer syndrome. Last evaluated: 2024-02-23. Review status: criteria provided, single submitter. Criteria: Invitae Variant Classification Sherloc (09022015). Collection method: clinical testing. Allele origin: germline. Not counted in ClinVar's aggregate classification.
Comment: This sequence change creates a premature translational stop signal (p.Tyr1522*) in the BRCA1 gene. It is expected to result in an absent or disrupted protein product. Loss-of-function variants in BRCA1 are known to be pathogenic (PMID: 20104584). This variant is not present in population databases (gnomAD no frequency). This premature translational stop signal has been observed in individual(s) with breast cancer (PMID: 25480878). ClinVar contains an entry for this variant (Variation ID: 266480). Algorithms developed to predict the effect of sequence changes on RNA splicing suggest that this variant may disrupt the consensus splice site. For these reasons, this variant has been classified as Pathogenic.

Consortium of Investigators of Modifiers of BRCA1/2 (CIMBA), c/o University of Cambridge
Classification: Pathogenic for Breast-ovarian cancer, familial, susceptibility to, 1. Last evaluated: 2015-10-02. Review status: criteria provided, single submitter. Criteria: CIMBA Mutation Classification guidelines May 2016. Collection method: clinical testing. Allele origin: germline. Not counted in ClinVar's aggregate classification.

Literature cited by the submitters: PubMed 20104584 (cited by Labcorp Genetics (formerly Invitae), Labcorp); PubMed 25480878 (cited by Labcorp Genetics (formerly Invitae), Labcorp).

NM_007294.4(BRCA1):c.4566C>A (p.Tyr1522Ter)

Gene: BRCA1 (BRCA1 DNA repair associated; minus strand). Cytogenetic location: 17q21.31.
Variant type: single nucleotide variant.
Coding change: c.4566C>A on transcript NM_007294.4 (MANE Select); coding-DNA position 4566, C replaced by A.
Protein change: p.Tyr1522Ter; replaces tyrosine 1522 with a stop codon.
Molecular consequence: nonsense. On other transcripts: non-coding transcript variant (1).
Genome position (GRCh38, 1-based): chr17:43,074,440, G>T on the plus strand (C>A on the coding strand, the complement: BRCA1 is on the minus strand). VCF-style: chr17-43074440-G-T. GRCh37 (hg19) VCF-style: chr17-41226457-G-T.
Other names: 4685C>A; c.1254C>A, p.Tyr418Ter (NM_001407990.1, NM_001407991.1, NM_001407992.1 and 13 more transcripts); c.1251C>A, p.Tyr417Ter (NM_001408404.1, NM_001408473.1, NM_001408392.1 and 8 more transcripts); c.1248C>A, p.Tyr416Ter (NM_001408406.1, NM_001408407.1, NM_001408408.1); c.1245C>A, p.Tyr415Ter (NM_001408409.1); c.1182C>A, p.Tyr394Ter (NM_001408410.1); c.1179C>A, p.Tyr393Ter (NM_001408411.1); c.1176C>A, p.Tyr392Ter (NM_001408412.1, NM_001408413.1, NM_001408414.1 and 2 more transcripts); and 69 more; short protein forms Y1522*, Y1475*, Y1543*, Y418*, Y1225*, Y1433*, Y1451*, Y1480*.
Identifiers: ClinVar variation 266480 (VCV000266480.14), dbSNP rs886040234, ClinGen allele CA10589659.